The following is an entry in ClinVar:

NM_001363118.2(SLC52A2):c.424C>T (p.Arg142Cys)

Gene: SLC52A2 (solute carrier family 52 member 2; plus strand). Cytogenetic location: 8q24.3.
Variant type: single nucleotide variant.
Coding change: c.424C>T on transcript NM_001363118.2 (MANE Select); coding-DNA position 424, C replaced by T.
Protein change: p.Arg142Cys; replaces arginine 142 with cysteine.
Molecular consequence: missense variant. On other transcripts: non-coding transcript variant (1), intron variant (1).
Genome position (GRCh38, 1-based): chr8:144,359,916, C>T. VCF-style: chr8-144359916-C-T. GRCh37 (hg19) VCF-style: chr8-145583576-C-T.
Other names: c.424C>T, p.Arg142Cys (NM_001253815.2, NM_001253816.2, NM_001363120.2 and 2 more transcripts); c.131-199C>T (NM_001363122.2); c.424C>T (NM_024531.3); short protein forms R142C.
Identifiers: ClinVar variation 569976 (VCV000569976.5), dbSNP rs1016614259, ClinGen allele CA187657093.

ClinVar aggregate classification (germline): Uncertain significance. Review status: criteria provided, multiple submitters, no conflicts (2 of 4 stars). 3 submissions from 3 submitters: Uncertain significance (3). Last evaluated 2022-01-22.

Conditions:
Brown-Vialetto-van Laere syndrome 2. Also called: Riboflavin transporter deficiency type 2; SPINOCEREBELLAR ATAXIA WITH BLINDNESS AND DEAFNESS 2. Identifiers: Orphanet 572543, Orphanet 97229, MedGen C3553538, MONDO:0013867, OMIM 614707.
Inborn genetic diseases. Identifiers: MedGen C0950123, MeSH D030342.

Allele frequency attached by ClinVar (database versions not stated): gnomAD exomes 0.00002 and 0.00008; TOPMed 0.00002; gnomAD 0.00003.

Submissions (3):

Ambry Genetics
Classification: Uncertain significance for Inborn genetic diseases. Last evaluated: 2022-01-22. Review status: criteria provided, single submitter. Criteria: Ambry Variant Classification Scheme 2023. Collection method: clinical testing. Allele origin: germline.

Labcorp Genetics (formerly Invitae), Labcorp
Classification: Uncertain significance for Brown-Vialetto-van Laere syndrome 2. Last evaluated: 2021-08-27. Review status: criteria provided, single submitter. Criteria: Invitae Variant Classification Sherloc (09022015). Collection method: clinical testing. Allele origin: germline.
Comment: This sequence change replaces arginine with cysteine at codon 142 of the SLC52A2 protein (p.Arg142Cys). The arginine residue is weakly conserved and there is a large physicochemical difference between arginine and cysteine. This variant is not present in population databases (ExAC no frequency). This variant has not been reported in the literature in individuals affected with SLC52A2-related conditions. Algorithms developed to predict the effect of missense changes on protein structure and function are either unavailable or do not agree on the potential impact of this missense change (SIFT: "Deleterious"; PolyPhen-2: "Benign"; Align-GVGD: "Class C15"). In summary, the available evidence is currently insufficient to determine the role of this variant in disease. Therefore, it has been classified as a Variant of Uncertain Significance.

Baylor Genetics
Classification: Uncertain significance for Brown-Vialetto-van Laere syndrome 2. Last evaluated: 2019-03-22. Review status: criteria provided, single submitter. Criteria: ACMG Guidelines, 2015. Collection method: clinical testing. Allele origin: maternal. Affected: yes.
Comment: This variant was determined to be of uncertain significance according to ACMG Guidelines, 2015 [PMID:25741868].